The following is an entry in ClinVar:

ClinVar aggregate classification (germline): Uncertain significance. Review status: criteria provided, multiple submitters, no conflicts (2 of 4 stars). 3 submissions from 3 submitters: Uncertain significance (3). Last evaluated 2026-03-31.

gnomAD v4.1: 1 of 1,613,340 alleles (0.000062%); highest among the groups gnomAD compares: Non-Finnish European, 0.000085%; no homozygotes.

Submissions (3):

GeneDx
Classification: Uncertain significance. Last evaluated: 2026-03-31. Review status: criteria provided, single submitter. Criteria: GeneDx Variant Classification Process June 2021. Collection method: clinical testing. Allele origin: germline.
Comment: Not observed at significant frequency in large population cohorts (gnomAD); In silico analysis suggests that this missense variant does not alter protein structure/function; Has not been previously published as pathogenic or benign to our knowledge

Labcorp Genetics (formerly Invitae), Labcorp
Classification: Uncertain significance. Last evaluated: 2025-11-04. Review status: criteria provided, single submitter. Criteria: Invitae Variant Classification Sherloc (09022015). Collection method: clinical testing. Allele origin: germline.
Comment: This sequence change replaces isoleucine, which is neutral and non-polar, with leucine, which is neutral and non-polar, at codon 532 of the FGFR3 protein (p.Ile532Leu). This variant is not present in population databases (gnomAD no frequency). This variant has not been reported in the literature in individuals affected with FGFR3-related conditions. ClinVar contains an entry for this variant (Variation ID: 3339928). Invitae Evidence Modeling of protein sequence and biophysical properties (such as structural, functional, and spatial information, amino acid conservation, physicochemical variation, residue mobility, and thermodynamic stability) has been performed for this missense variant. However, the output from this modeling did not meet the statistical confidence thresholds required to predict the impact of this variant on FGFR3 protein function. In summary, the available evidence is currently insufficient to determine the role of this variant in disease. Therefore, it has been classified as a Variant of Uncertain Significance.

Women's Health and Genetics/Laboratory Corporation of America, LabCorp
Classification: Uncertain significance. Last evaluated: 2024-06-20. Review status: criteria provided, single submitter. Criteria: LabCorp Variant Classification Summary - May 2015. Collection method: clinical testing. Allele origin: germline.
Comment: Variant summary: FGFR3 c.1594A>C (p.Ile532Leu) results in a conservative amino acid change located in the Protein kinase domain (IPR000719) of the encoded protein sequence. Three of five in-silico tools predict a benign effect of the variant on protein function. The variant was absent in 250864 control chromosomes. The available data on variant occurrences in the general population are insufficient to allow any conclusion about variant significance. To our knowledge, no occurrence of c.1594A>C in individuals affected with Achondroplasia and no experimental evidence demonstrating its impact on protein function have been reported. No submitters have cited clinical-significance assessments for this variant to ClinVar. Based on the evidence outlined above, the variant was classified as uncertain significance.

NM_000142.5(FGFR3):c.1594A>C (p.Ile532Leu)

Gene: FGFR3 (fibroblast growth factor receptor 3; plus strand). Cytogenetic location: 4p16.3.
Variant type: single nucleotide variant.
Coding change: c.1594A>C on transcript NM_000142.5 (MANE Select); coding-DNA position 1594, A replaced by C.
Protein change: p.Ile532Leu; replaces isoleucine 532 with leucine.
Molecular consequence: missense variant. On other transcripts: non-coding transcript variant (1).
Genome position (GRCh38, 1-based): chr4:1,805,618, A>C. VCF-style: chr4-1805618-A-C. GRCh37 (hg19) VCF-style: chr4-1807345-A-C.
Other names: c.1600A>C, p.Ile534Leu (NM_001163213.2); c.1597A>C, p.Ile533Leu (NM_001354809.2, NM_001354810.2); c.1258A>C, p.Ile420Leu (NM_022965.4); short protein forms I420L, I532L, I533L, I534L.
Identifiers: ClinVar variation 3339928 (VCV003339928.3).